The following is an entry in ClinVar:

NM_016222.4(DDX41):c.449G>A (p.Arg150His)

Gene: DDX41 (DEAD-box helicase 41; minus strand). Cytogenetic location: 5q35.3.
Variant type: single nucleotide variant.
Coding change: c.449G>A on transcript NM_016222.4 (MANE Select); coding-DNA position 449, G replaced by A.
Protein change: p.Arg150His; replaces arginine 150 with histidine.
Molecular consequence: missense variant.
Genome position (GRCh38, 1-based): chr5:177,515,807, C>T on the plus strand (G>A on the coding strand, the complement: DDX41 is on the minus strand). VCF-style: chr5-177515807-C-T. GRCh37 (hg19) VCF-style: chr5-176942808-C-T.
Other names: c.71G>A, p.Arg24His (NM_001321732.2, NM_001321830.2); short protein forms R150H, R24H.
Identifiers: ClinVar variation 1313679 (VCV001313679.8), dbSNP rs763624515, ClinGen allele CA132893620.

ClinVar aggregate classification (germline): Conflicting classifications of pathogenicity. Review status: criteria provided, conflicting classifications (1 of 4 stars). 3 submissions from 3 submitters: Uncertain significance (2); Likely benign (1). Last evaluated 2025-01-17.

Conditions:
Inborn genetic diseases. Identifiers: MedGen C0950123, MeSH D030342.

Allele frequency attached by ClinVar (database versions not stated): gnomAD exomes below 0.00001; TOPMed 0.00001; gnomAD 0.00002.
gnomAD v4.1: 5 of 1,614,000 alleles (0.00031%); highest among the groups gnomAD compares: African/African-American, 0.0053%; no homozygotes.

Submissions (3):

Ambry Genetics
Classification: Likely benign for Inborn genetic diseases. Last evaluated: 2025-01-17. Review status: criteria provided, single submitter. Criteria: Ambry Variant Classification Scheme 2023. Collection method: clinical testing. Allele origin: germline.

GeneDx
Classification: Uncertain significance. Last evaluated: 2022-11-07. Review status: criteria provided, single submitter. Criteria: GeneDx Variant Classification Process June 2021. Collection method: clinical testing. Allele origin: germline. Affected: yes.
Comment: Not observed at significant frequency in large population cohorts (gnomAD); In silico analysis supports that this missense variant does not alter protein structure/function; Has not been previously published as pathogenic or benign to our knowledge

Labcorp Genetics (formerly Invitae), Labcorp
Classification: Uncertain significance. Last evaluated: 2022-09-14. Review status: criteria provided, single submitter. Criteria: Invitae Variant Classification Sherloc (09022015). Collection method: clinical testing. Allele origin: germline.
Comment: This sequence change replaces arginine, which is basic and polar, with histidine, which is basic and polar, at codon 150 of the DDX41 protein (p.Arg150His). This variant is present in population databases (rs763624515, gnomAD 0.01%). This variant has not been reported in the literature in individuals affected with DDX41-related conditions. ClinVar contains an entry for this variant (Variation ID: 1313679). Algorithms developed to predict the effect of missense changes on protein structure and function are either unavailable or do not agree on the potential impact of this missense change (SIFT: "Not Available"; PolyPhen-2: "Benign"; Align-GVGD: "Not Available"). In summary, the available evidence is currently insufficient to determine the role of this variant in disease. Therefore, it has been classified as a Variant of Uncertain Significance.